The following is an entry in ClinVar:

NM_001039569.2(AP1S3):c.429+51_429+56dup

Gene: AP1S3 (adaptor related protein complex 1 subunit sigma 3; minus strand). Cytogenetic location: 2q36.1.
Variant type: Duplication.
Coding change: c.429+51_429+56dup on transcript NM_001039569.2 (MANE Select); bases 51 to 56 of the intron after coding-DNA position 429, 6 bases duplicated (ATGGTG; older notation c.429+51_429+56dupATGGTG).
Molecular consequence: intron variant.
Genome position (GRCh38, 1-based): chr2:223,765,157-223,765,162, CACCAT duplicated on the plus strand (ATGGTG on the coding strand, the reverse complement: AP1S3 is on the minus strand); duplicating any 6 consecutive bases within chr2:223,765,157-223,765,164 gives the same sequence; the c. name uses the placement nearest the transcript's 3' end. VCF-style (leftmost placement, unchanged base first): chr2-223765156-A-ACACCAT. GRCh37 (hg19) VCF-style: chr2-224629873-A-ACACCAT.
Identifiers: ClinVar variation 2688202 (VCV002688202.2), dbSNP rs2106078918, ClinGen allele CA2663350287.
Genomic context (GRCh38, chr2:223,765,156, plus strand): 5'-AGAAACTGTACCCAGCACAGAGTAAGTACTCAGTAAGTCTGGTTAATATTATAATTATTA[A>ACACCAT]CACCATCATCATCATCATCATCATCTTTCTCCCATGGTTTGGGAAACCGTACTGACCTCC-3'

ClinVar aggregate classification (germline): Benign (1 of 4 stars; one submission).

Submission:

Unidad de Genómica Garrahan, Hospital de Pediatría Garrahan
Classification: Benign. Last evaluated: 2024-01-24. Review status: criteria provided, single submitter. Criteria: ACMG Guidelines, 2015. Collection method: clinical testing. Allele origin: germline. Affected: no. Observed: 34 variant alleles.
Comment: This variant is classified as Benign based on local population frequency. This variant was detected in 36% of patients studied by a panel of primary immunodeficiencies. Number of patients: 34. Only high quality variants are reported.